The following is an entry in ClinVar:

ClinVar aggregate classification (germline): Uncertain significance (1 of 4 stars; one submission).

Conditions:
Neurodegeneration with brain iron accumulation 6 (NBIA6). Also called: COASY protein-associated neurodegeneration. Identifiers: Orphanet 397725, MedGen C4517377, MONDO:0014290, OMIM 615643.

Allele frequency attached by ClinVar (database versions not stated): gnomAD exomes below 0.00001; ExAC 0.00001.

Submission:

Labcorp Genetics (formerly Invitae), Labcorp
Classification: Uncertain significance for Neurodegeneration with brain iron accumulation 6. Last evaluated: 2020-06-15. Review status: criteria provided, single submitter. Criteria: Invitae Variant Classification Sherloc (09022015). Collection method: clinical testing. Allele origin: germline.
Comment: In summary, the available evidence is currently insufficient to determine the role of this variant in disease. Therefore, it has been classified as a Variant of Uncertain Significance. Algorithms developed to predict the effect of missense changes on protein structure and function are either unavailable or do not agree on the potential impact of this missense change (SIFT: "Tolerated"; PolyPhen-2: "Probably Damaging"; Align-GVGD: "Class C0"). This variant has not been reported in the literature in individuals with COASY-related conditions. This variant is present in population databases (rs759827568, ExAC 0.01%). This sequence change replaces alanine with threonine at codon 383 of the COASY protein (p.Ala383Thr). The alanine residue is highly conserved and there is a small physicochemical difference between alanine and threonine.

NM_025233.7(COASY):c.1147G>A (p.Ala383Thr)

Gene: COASY (Coenzyme A synthase; plus strand). Cytogenetic location: 17q21.2.
Variant type: single nucleotide variant.
Coding change: c.1147G>A on transcript NM_025233.7 (MANE Select); coding-DNA position 1147, G replaced by A.
Protein change: p.Ala383Thr; replaces alanine 383 with threonine.
Molecular consequence: missense variant.
Genome position (GRCh38, 1-based): chr17:42,564,808, G>A. VCF-style: chr17-42564808-G-A. GRCh37 (hg19) VCF-style: chr17-40716826-G-A.
Other names: c.1147G>A, p.Ala383Thr (NM_001042529.3); c.1234G>A, p.Ala412Thr (NM_001042532.4); short protein forms A412T, A383T.
Identifiers: ClinVar variation 846528 (VCV000846528.10), dbSNP rs759827568, ClinGen allele CA8578208.
Genomic context (GRCh38, chr17:42,564,808, plus strand): 5'-CTGACTGGCATCAGTGGCTCTGGGAAGAGCTCAATAGCTCAGCGACTGAAGGGCCTGGGG[G>A]CGTTTGTCATTGACAGTGACCACCTGGGTCATCGGGCCTATGCCCCAGGTGGCCCTGCCT-3'
Protein context (NP_079509.5, residues 373-393): SIAQRLKGLG[Ala383Thr]FVIDSDHLGH